The following is an entry in ClinVar:

ClinVar aggregate classification (germline): Uncertain significance (1 of 4 stars; one submission).

Conditions:
Inborn genetic diseases. Identifiers: MedGen C0950123, MeSH D030342.

Allele frequency attached by ClinVar (database versions not stated): gnomAD 0.00001.
gnomAD v4.1: 1 of 1,614,020 alleles (0.000062%); highest among the groups gnomAD compares: Non-Finnish European, 0.000085%; no homozygotes.

Submission:

Ambry Genetics
Classification: Uncertain significance for Inborn genetic diseases. Last evaluated: 2021-12-20. Review status: criteria provided, single submitter. Criteria: Ambry Variant Classification Scheme 2023. Collection method: clinical testing. Allele origin: germline.
Comment: The p.Y175C variant (also known as c.524A>G), located in coding exon 7 of the ERCC2 gene, results from an A to G substitution at nucleotide position 524. The tyrosine at codon 175 is replaced by cysteine, an amino acid with highly dissimilar properties. This amino acid position is conserved. In addition, this alteration is predicted to be deleterious by in silico analysis. Since supporting evidence is limited at this time, the clinical significance of this alteration remains unclear.

NM_000400.4(ERCC2):c.524A>G (p.Tyr175Cys)

Gene: ERCC2 (ERCC excision repair 2, TFIIH core complex helicase subunit; minus strand). Cytogenetic location: 19q13.32.
Variant type: single nucleotide variant.
Coding change: c.524A>G on transcript NM_000400.4 (MANE Select); coding-DNA position 524, A replaced by G.
Protein change: p.Tyr175Cys; replaces tyrosine 175 with cysteine.
Molecular consequence: missense variant.
Genome position (GRCh38, 1-based): chr19:45,364,908, T>C on the plus strand (A>G on the coding strand, the complement: ERCC2 is on the minus strand). VCF-style: chr19-45364908-T-C. GRCh37 (hg19) VCF-style: chr19-45868166-T-C.
Other names: c.452A>G, p.Tyr151Cys (NM_001130867.2); short protein forms Y151C, Y175C.
Identifiers: ClinVar variation 1746333 (VCV001746333.2), dbSNP rs1463343405, ClinGen allele CA406375729.